The following is an entry in ClinVar:

ClinVar aggregate classification (germline): Uncertain significance (1 of 4 stars; one submission).

Conditions:
Inborn genetic diseases. Identifiers: MedGen C0950123, MeSH D030342.

gnomAD v4.1: 2 of 1,612,436 alleles (0.00012%); highest among the groups gnomAD compares: South Asian, 0.0022%; no homozygotes.

Submission:

Ambry Genetics
Classification: Uncertain significance for Inborn genetic diseases. Last evaluated: 2023-06-10. Review status: criteria provided, single submitter. Criteria: Ambry Variant Classification Scheme 2023. Collection method: clinical testing. Allele origin: germline.
Comment: The p.A1572S variant (also known as c.4714G>T), located in coding exon 32 of the LRRK2 gene, results from a G to T substitution at nucleotide position 4714. The alanine at codon 1572 is replaced by serine, an amino acid with similar properties. This amino acid position is conserved. In addition, the in silico prediction for this alteration is inconclusive. Since supporting evidence is limited at this time, the clinical significance of this alteration remains unclear.

NM_198578.4(LRRK2):c.4714G>T (p.Ala1572Ser)

Gene: LRRK2 (leucine rich repeat kinase 2; plus strand). Cytogenetic location: 12q12.
Variant type: single nucleotide variant.
Coding change: c.4714G>T on transcript NM_198578.4 (MANE Select); coding-DNA position 4714, G replaced by T.
Protein change: p.Ala1572Ser; replaces alanine 1572 with serine.
Molecular consequence: missense variant.
Genome position (GRCh38, 1-based): chr12:40,314,149, G>T. VCF-style: chr12-40314149-G-T. GRCh37 (hg19) VCF-style: chr12-40707951-G-T.
Other names: short protein forms A1572S.
Identifiers: ClinVar variation 2567442 (VCV002567442.2), dbSNP rs1945129316, ClinGen allele CA384419115.